The following is an entry in ClinVar:

NM_018249.6(CDK5RAP2):c.5362C>A (p.Leu1788Met)

Gene: CDK5RAP2 (CDK5 regulatory subunit associated protein 2; minus strand). Cytogenetic location: 9q33.2.
Variant type: single nucleotide variant.
Coding change: c.5362C>A on transcript NM_018249.6 (MANE Select); coding-DNA position 5362, C replaced by A.
Protein change: p.Leu1788Met; replaces leucine 1788 with methionine.
Molecular consequence: missense variant. On other transcripts: non-coding transcript variant (5).
Genome position (GRCh38, 1-based): chr9:120,400,831, G>T on the plus strand (C>A on the coding strand, the complement: CDK5RAP2 is on the minus strand). VCF-style: chr9-120400831-G-T. GRCh37 (hg19) VCF-style: chr9-123163109-G-T.
Other names: c.5125C>A, p.Leu1709Met (NM_001011649.3); c.4672C>A, p.Leu1558Met (NM_001272039.2); short protein forms L1788M, L1558M, L1709M.
Identifiers: ClinVar variation 364745 (VCV000364745.10), dbSNP rs375896806, ClinGen allele CA5213290.

ClinVar aggregate classification (germline): Uncertain significance. Review status: criteria provided, multiple submitters, no conflicts (2 of 4 stars). 4 submissions from 4 submitters: Uncertain significance (2). 2 of the submissions do not count toward it. Last evaluated 2022-05-29.

Conditions:
Microcephaly 3, primary, autosomal recessive. Identifiers: Orphanet 2512, MedGen C1858108, MONDO:0011488, OMIM 604804.

Allele frequency attached by ClinVar (database versions not stated): gnomAD 0.00003; TOPMed 0.00005; gnomAD exomes 0.00007 and 0.00011; ESP Exome Variant Server 0.00008; ExAC 0.00012.
gnomAD v4.1: 159 of 1,614,122 alleles (0.0099%); highest among the groups gnomAD compares: Non-Finnish European, 0.013%; no homozygotes.

Submissions (4):

Labcorp Genetics (formerly Invitae), Labcorp
Classification: Uncertain significance. Last evaluated: 2022-05-29. Review status: criteria provided, single submitter. Criteria: Invitae Variant Classification Sherloc (09022015). Collection method: clinical testing. Allele origin: germline.
Comment: This sequence change replaces leucine, which is neutral and non-polar, with methionine, which is neutral and non-polar, at codon 1788 of the CDK5RAP2 protein (p.Leu1788Met). This variant is present in population databases (rs375896806, gnomAD 0.02%). This variant has not been reported in the literature in individuals affected with CDK5RAP2-related conditions. ClinVar contains an entry for this variant (Variation ID: 364745). Algorithms developed to predict the effect of missense changes on protein structure and function are either unavailable or do not agree on the potential impact of this missense change (SIFT: "Tolerated"; PolyPhen-2: "Probably Damaging"; Align-GVGD: "Class C0"). In summary, the available evidence is currently insufficient to determine the role of this variant in disease. Therefore, it has been classified as a Variant of Uncertain Significance.

Illumina Laboratory Services, Illumina
Classification: Uncertain significance for Microcephaly 3, primary, autosomal recessive. Last evaluated: 2018-01-13. Review status: criteria provided, single submitter. Criteria: ICSL Variant Classification Criteria 13 December 2019. Collection method: clinical testing. Allele origin: germline.

Clinical Genetics DNA and cytogenetics Diagnostics Lab, Erasmus MC, Erasmus Medical Center
Classification: Uncertain significance. Review status: no assertion criteria provided. Collection method: clinical testing. Allele origin: germline. Affected: yes. Study: VKGL Data-share Consensus. Not counted in ClinVar's aggregate classification.

Diagnostic Laboratory, Department of Genetics, University Medical Center Groningen
Classification: Uncertain significance. Review status: no assertion criteria provided. Collection method: clinical testing. Allele origin: germline. Affected: yes. Study: VKGL Data-share Consensus. Not counted in ClinVar's aggregate classification.